The following is an entry in ClinVar:

NM_001161748.2(LIM2):c.244G>T (p.Gly82Cys)

Gene: LIM2 (lens intrinsic membrane protein 2; minus strand). Cytogenetic location: 19q13.41.
Variant type: single nucleotide variant.
Coding change: c.244G>T on transcript NM_001161748.2 (MANE Select); coding-DNA position 244, G replaced by T.
Protein change: p.Gly82Cys; replaces glycine 82 with cysteine.
Molecular consequence: missense variant.
Genome position (GRCh38, 1-based): chr19:51,382,499, C>A on the plus strand (G>T on the coding strand, the complement: LIM2 is on the minus strand). VCF-style: chr19-51382499-C-A. GRCh37 (hg19) VCF-style: chr19-51885753-C-A.
Other names: c.370G>T, p.Gly124Cys (NM_030657.4); short protein forms G124C, G82C.
Identifiers: ClinVar variation 4883663 (VCV004883663.2).

ClinVar aggregate classification (germline): Uncertain significance (1 of 4 stars; one submission).

Submission:

Dasa
Classification: Uncertain significance. Last evaluated: 2024-09-03. Review status: criteria provided, single submitter. Criteria: DASA Assertion Criteria. Collection method: clinical testing. Allele origin: germline.
Comment: NM_001161748.2(LIM2):c.244G>T (p.Gly82Cys) is a missense variant that results in the substitution of glycine with cysteine. This variant is absent from population databases. Computational prediction algorithms are consistent with a deleterious effect. The currently available literature and clinical evidence are not sufficient to establish a definitive association between this variant and the reported condition. Therefore, this variant is classified as a variant of uncertain significance.